The following is an entry in ClinVar:

NM_001270974.2(HYDIN):c.3553del (p.Leu1185fs)

Gene: HYDIN (HYDIN axonemal central pair apparatus protein; minus strand). Cytogenetic location: 16q22.2.
Variant type: Deletion.
Coding change: c.3553del on transcript NM_001270974.2 (MANE Select); coding-DNA position 3553, one base deleted (C; older notation c.3553delC).
Protein change: p.Leu1185fs; shifts the reading frame from leucine 1185.
Molecular consequence: frameshift variant.
Genome position (GRCh38, 1-based): chr16:71,018,220, G deleted on the plus strand (C on the coding strand, the reverse complement: HYDIN is on the minus strand). VCF-style (leftmost placement, unchanged base first): chr16-71018219-AG-A. GRCh37 (hg19) VCF-style: chr16-71052122-AG-A.
Other names: NM_001270974.2:c.3553del; short protein forms L1185fs.
Identifiers: ClinVar variation 4070918 (VCV004070918.2).
Genomic context (GRCh38, chr16:71,018,219, plus strand): 5'-AAGAACCAGCGAAACTTCACAACCAACGGACTGCAGTTGGTGATGGTAACGTAGCGAATG[AG>A]CTCAGTATCGTTCAGGATGCAGCCAAAATCCAGCTCCTTTGTCTCAAAGCTGAGGTTGGG-3'

ClinVar aggregate classification (germline): Likely pathogenic. Review status: criteria provided, multiple submitters, no conflicts (2 of 4 stars). 2 submissions from 2 submitters: Likely pathogenic (2). Last evaluated 2025-06-27.

Conditions:
Primary ciliary dyskinesia 5. Also called: CILIARY DYSKINESIA, PRIMARY, 5, WITHOUT SITUS INVERSUS. Identifiers: Orphanet 244, MedGen C1837615, MONDO:0012088, OMIM 608647.

Submissions (2):

Broad Center for Mendelian Genomics, Broad Institute of MIT and Harvard
Classification: Likely pathogenic for Primary ciliary dyskinesia 5. Last evaluated: 2025-06-27. Review status: criteria provided, single submitter. Criteria: ACMG Guidelines, 2015. Collection method: curation. Allele origin: germline. Inheritance: Autosomal recessive inheritance. Study: GREGoR Consortium.
Comment: The heterozygous p.Leu1185SerfsTer15 variant in HYDIN was identified by our study, in the compound heterozygous state along with a variant of uncertain significance, in 2 unrelated individuals with primary ciliary dyskinesia. The phase of these variants are unknown at this time. The p.Leu1185SerfsTer15 variant in HYDIN has not been previously reported in the literature in individuals with primary ciliary dyskinesia, and data from large population studies is insufficient to assess the frequency of this variant. This variant is predicted to cause a frameshift, which alters the protein’s amino acid sequence beginning at position 1185 and leads to a premature termination codon 15 amino acids downstream. This alteration is then predicted to lead to a truncated or absent protein. Loss of function of the HYDIN gene is an established disease mechanism in autosomal recessive primary ciliary dyskinesia. In summary, although additional studies are required to fully establish its clinical significance, this variant is likely pathogenic for autosomal recessive primary ciliary dyskinesia. ACMG/AMP Criteria applied: PVS1, PM2_supporting (Richards 2015).

Johns Hopkins Genomics, Johns Hopkins University
Classification: Likely pathogenic for Primary ciliary dyskinesia 5. Last evaluated: 2024-08-05. Review status: criteria provided, single submitter. Criteria: ACMG Guidelines, 2015. Collection method: clinical testing. Allele origin: germline.
Comment: This HYDIN variant (rs1238822104) is rare (<0.1%) in a large population dataset (gnomAD v4.1.0: 3/494502 total alleles; 0.0006%; no homozygotes), although notably, the allele frequency estimate at this position may not be reliable. This variant has not been reported in ClinVar, nor in the literature, to our knowledge. This frameshift variant results in a premature stop codon in exon 23 of 86, likely leading to nonsense-mediated decay and lack of protein production. We consider c.3553del in HYDIN to be likely pathogenic.